The following is an entry in ClinVar:

NM_000535.7(PMS2):c.1712T>A (p.Leu571His)

Gene: PMS2 (PMS1 homolog 2, mismatch repair system component; minus strand). Cytogenetic location: 7p22.1.
Variant type: single nucleotide variant.
Coding change: c.1712T>A on transcript NM_000535.7 (MANE Select); coding-DNA position 1712, T replaced by A.
Protein change: p.Leu571His; replaces leucine 571 with histidine.
Molecular consequence: missense variant. On other transcripts: non-coding transcript variant (1).
Genome position (GRCh38, 1-based): chr7:5,987,053, A>T on the plus strand (T>A on the coding strand, the complement: PMS2 is on the minus strand). VCF-style: chr7-5987053-A-T. GRCh37 (hg19) VCF-style: chr7-6026684-A-T.
Other names: c.1307T>A, p.Leu436His (NM_001322003.2, NM_001322004.2, NM_001322005.2 and 1 more transcripts); c.1556T>A, p.Leu519His (NM_001322006.2); c.1394T>A, p.Leu465His (NM_001322007.2, NM_001322008.2); c.1151T>A, p.Leu384His (NM_001322010.2); c.779T>A, p.Leu260His (NM_001322011.2, NM_001322012.2); c.1139T>A, p.Leu380His (NM_001322013.2); c.1712T>A, p.Leu571His (NM_001322014.2); c.1403T>A, p.Leu468His (NM_001322015.2); short protein forms L571H, L260H, L380H, L384H, L436H, L465H, L468H, L519H.
Identifiers: ClinVar variation 411044 (VCV000411044.10), dbSNP rs1060503128, ClinGen allele CA16612123.
Genomic context (GRCh38, chr7:5,987,053, plus strand): 5'-CAAATGTCAGAACTGGAAAGAATTTCTTCTTTTTTAAAACGCTTTGTGTTTGGGGTTGCG[A>T]GATTAGTTGGCTGAGGCAAAACTCGAAATTTACATCCGGTATCTTCCTGGTTTGAATGGC-3'
Protein context (NP_000526.2, residues 561-581): KFRVLPQPTN[Leu571His]ATPNTKRFKK

ClinVar aggregate classification (germline): Uncertain significance (1 of 4 stars; one submission).

Conditions:
Hereditary nonpolyposis colorectal neoplasms. Identifiers: MedGen C0009405, MeSH D003123.

Submission:

Labcorp Genetics (formerly Invitae), Labcorp
Classification: Uncertain significance for Hereditary nonpolyposis colorectal neoplasms. Last evaluated: 2016-09-20. Review status: criteria provided, single submitter. Criteria: Invitae Variant Classification Sherloc (09022015). Collection method: clinical testing. Allele origin: germline.
Comment: Algorithms developed to predict the effect of missense changes on protein structure and function do not agree on the potential impact of this missense change (SIFT: "Tolerated"; PolyPhen-2: "Possibly Damaging"; Align-GVGD: "Class C0"). In summary, this variant is a novel missense change with uncertain impact on protein function. It has been classified as a Variant of Uncertain Significance. This sequence change replaces leucine with histidine at codon 571 of the PMS2 protein (p.Leu571His). The leucine residue is weakly conserved and there is a moderate physicochemical difference between leucine and histidine. This variant is not present in population databases (ExAC no frequency) and has not been reported in the literature in individuals with a PMS2-related disease.